The following is an entry in ClinVar:

NM_001099403.2(PRDM8):c.838G>A (p.Ala280Thr)

Gene: PRDM8 (PR/SET domain 8; plus strand). Cytogenetic location: 4q21.21.
Variant type: single nucleotide variant.
Coding change: c.838G>A on transcript NM_001099403.2 (MANE Select); coding-DNA position 838, G replaced by A.
Protein change: p.Ala280Thr; replaces alanine 280 with threonine.
Molecular consequence: missense variant.
Genome position (GRCh38, 1-based): chr4:80,202,300, G>A. VCF-style: chr4-80202300-G-A. GRCh37 (hg19) VCF-style: chr4-81123454-G-A.
Other names: c.838G>A, p.Ala280Thr (NM_020226.4); short protein forms A280T.
Identifiers: ClinVar variation 1003987 (VCV001003987.6), dbSNP rs1738548476, ClinGen allele CA357395361.

ClinVar aggregate classification (germline): Uncertain significance (1 of 4 stars; one submission).

Conditions:
Early-onset Lafora body disease. Also called: Epilepsy, progressive myoclonic, 10. Identifiers: Orphanet 324290, MedGen C4225258, MONDO:0014717, OMIM 616640.

Allele frequency attached by ClinVar (database versions not stated): gnomAD 0.00001.

Submission:

Labcorp Genetics (formerly Invitae), Labcorp
Classification: Uncertain significance for Early-onset Lafora body disease. Last evaluated: 2021-08-27. Review status: criteria provided, single submitter. Criteria: Invitae Variant Classification Sherloc (09022015). Collection method: clinical testing. Allele origin: germline.
Comment: This sequence change replaces alanine with threonine at codon 280 of the PRDM8 protein (p.Ala280Thr). The alanine residue is weakly conserved and there is a small physicochemical difference between alanine and threonine. This variant is not present in population databases (ExAC no frequency). This variant has not been reported in the literature in individuals affected with PRDM8-related conditions. Algorithms developed to predict the effect of missense changes on protein structure and function (SIFT, PolyPhen-2, Align-GVGD) all suggest that this variant is likely to be tolerated. In summary, the available evidence is currently insufficient to determine the role of this variant in disease. Therefore, it has been classified as a Variant of Uncertain Significance.